The following is an entry in ClinVar:

NM_000268.4(NF2):c.50A>G (p.Lys17Arg)

Gene: NF2 (NF2, moesin-ezrin-radixin like (MERLIN) tumor suppressor; plus strand). Cytogenetic location: 22q12.2.
Variant type: single nucleotide variant.
Coding change: c.50A>G on transcript NM_000268.4 (MANE Select); coding-DNA position 50, A replaced by G.
Protein change: p.Lys17Arg; replaces lysine 17 with arginine.
Molecular consequence: missense variant. On other transcripts: non-coding transcript variant (1).
Genome position (GRCh38, 1-based): chr22:29,604,048, A>G. VCF-style: chr22-29604048-A-G. GRCh37 (hg19) VCF-style: chr22-30000037-A-G.
Other names: c.50A>G, p.Lys17Arg (NM_016418.5, NM_181825.3, NM_181828.3 and 5 more transcripts); short protein forms K17R.
Identifiers: ClinVar variation 1056444 (VCV001056444.12), dbSNP rs2064714998, ClinGen allele CA411145941.
Genomic context (GRCh38, chr22:29,604,048, plus strand): 5'-AGCCCCGCGCCATGGCCGGGGCCATCGCTTCCCGCATGAGCTTCAGCTCTCTCAAGAGGA[A>G]GCAACCCAAGACGTTCACCGTGAGGATCGTCACCATGGACGCCGAGATGGAGTTCAATTG-3'
Protein context (NP_000259.1, residues 7-27): SRMSFSSLKR[Lys17Arg]QPKTFTVRIV

ClinVar aggregate classification (germline): Uncertain significance. Review status: criteria provided, multiple submitters, no conflicts (2 of 4 stars). 2 submissions from 2 submitters: Uncertain significance (2). Last evaluated 2025-05-12.

Conditions:
Neurofibromatosis, type 2 (SWNV). Also called: BILATERAL ACOUSTIC NEUROFIBROMATOSIS; NF2-Related Schwannomatosis; SCHWANNOMATOSIS, VESTIBULAR. Identifiers: Orphanet 637, MedGen C0027832, MONDO:0007039, OMIM 101000. Disease mechanism: loss of function.
Hereditary cancer-predisposing syndrome. Also called: Neoplastic Syndromes, Hereditary; Hereditary Cancer Syndrome; Hereditary neoplastic syndrome; Tumor predisposition. Identifiers: Orphanet 140162, MedGen C0027672, MeSH D009386, MONDO:0015356.

Allele frequency attached by ClinVar (database versions not stated): gnomAD exomes below 0.00001; TOPMed below 0.00001.
gnomAD v4.1: 1 of 1,606,698 alleles (0.000062%); highest among the groups gnomAD compares: Non-Finnish European, 0.000085%; no homozygotes.

Submissions (2):

Labcorp Genetics (formerly Invitae), Labcorp
Classification: Uncertain significance for Neurofibromatosis, type 2. Last evaluated: 2025-05-12. Review status: criteria provided, single submitter. Criteria: Invitae Variant Classification Sherloc (09022015). Collection method: clinical testing. Allele origin: germline.
Comment: This sequence change replaces lysine, which is basic and polar, with arginine, which is basic and polar, at codon 17 of the NF2 protein (p.Lys17Arg). This variant is not present in population databases (gnomAD no frequency). This variant has not been reported in the literature in individuals affected with NF2-related conditions. ClinVar contains an entry for this variant (Variation ID: 1056444). An algorithm developed to predict the effect of missense changes on protein structure and function (PolyPhen-2) suggests that this variant is likely to be tolerated. In summary, the available evidence is currently insufficient to determine the role of this variant in disease. Therefore, it has been classified as a Variant of Uncertain Significance.

Ambry Genetics
Classification: Uncertain significance for Hereditary cancer-predisposing syndrome. Last evaluated: 2024-12-03. Review status: criteria provided, single submitter. Criteria: Ambry Variant Classification Scheme 2023. Collection method: clinical testing. Allele origin: germline.
Comment: The p.K17R variant (also known as c.50A>G), located in coding exon 1 of the NF2 gene, results from an A to G substitution at nucleotide position 50. The lysine at codon 17 is replaced by arginine, an amino acid with highly similar properties. This amino acid position is highly conserved in available vertebrate species. In addition, this alteration is predicted to be tolerated by in silico analysis. Since supporting evidence is limited at this time, the clinical significance of this alteration remains unclear.